The following is an entry in ClinVar:

NM_024496.4(IRF2BPL):c.285_310del (p.Ala97fs)

Genes: IRF2BPL (interferon regulatory factor 2 binding protein like; minus strand), LOC107984638 (uncharacterized LOC107984638; plus strand). Cytogenetic location: 14q24.3.
Variant type: Deletion.
Coding change: c.285_310del on transcript NM_024496.4 (MANE Select); coding-DNA positions 285 to 310, 26 bases deleted (GGCGGCCGCCGCCGCCGCCGCGCAAC).
Protein change: p.Ala97fs; shifts the reading frame from alanine 97.
Molecular consequence: frameshift variant. On other transcripts: non-coding transcript variant (3).
Genome position (GRCh38, 1-based): chr14:77,027,483-77,027,508, GTTGCGCGGCGGCGGCGGCGGCCGCC deleted on the plus strand (GGCGGCCGCCGCCGCCGCCGCGCAAC on the coding strand, the reverse complement: IRF2BPL is on the minus strand); deleting any 26 consecutive bases within chr14:77,027,483-77,027,509 gives the same sequence; the c. name uses the placement nearest the transcript's 3' end. VCF-style (leftmost placement, unchanged base first): chr14-77027482-TGTTGCGCGGCGGCGGCGGCGGCCGCC-T. GRCh37 (hg19) VCF-style: chr14-77493825-TGTTGCGCGGCGGCGGCGGCGGCCGCC-T.
Other names: short protein forms A97fs.
Identifiers: ClinVar variation 4077189 (VCV004077189.1).

ClinVar aggregate classification (germline): Likely pathogenic (1 of 4 stars; one submission).

Submission:

GeneDx
Classification: Likely pathogenic. Last evaluated: 2025-02-27. Review status: criteria provided, single submitter. Criteria: GeneDx Variant Classification Process June 2021. Collection method: clinical testing. Allele origin: germline. Affected: yes.
Comment: Frameshift variant predicted to result in protein truncation, as the last 700 amino acids are replaced with 26 different amino acids, and other loss-of-function variants have been reported downstream in HGMD; Not observed at significant frequency in large population cohorts (gnomAD); Has not been previously published as pathogenic or benign to our knowledge